The following is an entry in ClinVar:

ClinVar aggregate classification (germline): Pathogenic (1 of 4 stars; one submission).

Conditions:
Familial meningioma. Also called: Meningioma, familial, susceptibility to. Identifiers: Orphanet 263662, MedGen C3551915, MONDO:0011789, OMIM 607174.

Submission:

Labcorp Genetics (formerly Invitae), Labcorp
Classification: Pathogenic for Familial meningioma. Last evaluated: 2025-06-22. Review status: criteria provided, single submitter. Criteria: Invitae Variant Classification Sherloc (09022015). Collection method: clinical testing. Allele origin: germline.
Comment: This sequence change creates a premature translational stop signal (p.Ser157Valfs*15) in the SMARCE1 gene. It is expected to result in an absent or disrupted protein product. Loss-of-function variants in SMARCE1 are known to be pathogenic (PMID: 23377182). This variant is not present in population databases (gnomAD no frequency). This variant has not been reported in the literature in individuals affected with SMARCE1-related conditions. For these reasons, this variant has been classified as Pathogenic.

Literature cited by the submitters: PubMed 23377182.

NM_003079.5(SMARCE1):c.469del (p.Ser157fs)

Gene: SMARCE1 (SWI/SNF related BAF chromatin remodeling complex subunit E1; minus strand). Cytogenetic location: 17q21.2.
Variant type: Deletion.
Coding change: c.469del on transcript NM_003079.5 (MANE Select); coding-DNA position 469, one base deleted (A; older notation c.469delA).
Protein change: p.Ser157fs; shifts the reading frame from serine 157.
Molecular consequence: frameshift variant.
Genome position (GRCh38, 1-based): chr17:40,636,003, T deleted on the plus strand (A on the coding strand, the reverse complement: SMARCE1 is on the minus strand); the first of 3 consecutive T bases (chr17:40,636,003-40,636,005); deleting any one gives the same sequence. VCF-style (leftmost placement, unchanged base first): chr17-40636002-CT-C. GRCh37 (hg19) VCF-style: chr17-38792254-CT-C.
Other names: short protein forms S157fs.
Identifiers: ClinVar variation 4713963 (VCV004713963.1).